The following is an entry in ClinVar:

NM_001134407.3(GRIN2A):c.1255G>A (p.Val419Met)

Gene: GRIN2A (glutamate ionotropic receptor NMDA type subunit 2A; minus strand). Cytogenetic location: 16p13.2.
Variant type: single nucleotide variant.
Coding change: c.1255G>A on transcript NM_001134407.3 (MANE Select); coding-DNA position 1255, G replaced by A.
Protein change: p.Val419Met; replaces valine 419 with methionine.
Molecular consequence: missense variant.
Genome position (GRCh38, 1-based): chr16:9,849,829, C>T on the plus strand (G>A on the coding strand, the complement: GRIN2A is on the minus strand). VCF-style: chr16-9849829-C-T. GRCh37 (hg19) VCF-style: chr16-9943686-C-T.
Other names: c.1255G>A, p.Val419Met (NM_000833.5, NM_001134408.2); short protein forms V419M.
Identifiers: ClinVar variation 5041261 (VCV005041261.1).
Genomic context (GRCh38, chr16:9,849,829, plus strand): 5'-ACTTCCGACATGGCACGGTGTTCCTCACACACGTCTCGGTCAGGGGGTCTATGTCTTCCA[C>T]GATGACGAATGGGGCCTCCTCCAGGGTGACGATGCTGAGATGGTTGTCATCCGGCTCACA-3'
Protein context (NP_001127879.1, residues 409-429): VTLEEAPFVI[Val419Met]EDIDPLTETC

ClinVar aggregate classification (germline): Uncertain significance (1 of 4 stars; one submission).

gnomAD v4.1: 3 of 1,614,038 alleles (0.00019%); highest among the groups gnomAD compares: Non-Finnish European, 0.00025%; no homozygotes.

Submission:

CeGaT Center for Human Genetics Tuebingen
Classification: Uncertain significance. Last evaluated: 2026-09-01. Review status: criteria provided, single submitter. Criteria: CeGaT Center For Human Genetics Tuebingen Variant Classification Criteria Version 2. Collection method: clinical testing. Allele origin: germline. Affected: yes. Observed: 1 variant allele.
Comment: GRIN2A: PM2, PP2